The following is an entry in ClinVar:

ClinVar aggregate classification (germline): Uncertain significance (1 of 4 stars; one submission).

Conditions:
Myofibrillar myopathy 4. Also called: Zaspopathy (type). Identifiers: Orphanet 98912, MedGen C4721886, MONDO:0012277, OMIM 609452.

Submission:

Labcorp Genetics (formerly Invitae), Labcorp
Classification: Uncertain significance for Myofibrillar myopathy 4. Last evaluated: 2022-03-08. Review status: criteria provided, single submitter. Criteria: Invitae Variant Classification Sherloc (09022015). Collection method: clinical testing. Allele origin: germline.
Comment: This variant is not present in population databases (gnomAD no frequency). This sequence change replaces proline, which is neutral and non-polar, with histidine, which is basic and polar, at codon 318 of the LDB3 protein (p.Pro318His). Experimental studies and prediction algorithms are not available or were not evaluated, and the functional significance of this variant is currently unknown. This variant has not been reported in the literature in individuals affected with LDB3-related conditions. The LDB3 gene has multiple clinically relevant transcripts. This variant occurs in alternate transcript NM_007078.3, and corresponds to NM_001080116.1:c.*7213C>A in the primary transcript. In summary, the available evidence is currently insufficient to determine the role of this variant in disease. Therefore, it has been classified as a Variant of Uncertain Significance.

NM_007078.3(LDB3):c.953C>A (p.Pro318His)

Gene: LDB3 (LIM domain binding 3; plus strand). Cytogenetic location: 10q23.2.
Variant type: single nucleotide variant.
Coding change: c.953C>A on transcript NM_007078.3 (MANE Select); coding-DNA position 953, C replaced by A.
Protein change: p.Pro318His; replaces proline 318 with histidine.
Molecular consequence: missense variant. On other transcripts: intron variant (4).
Genome position (GRCh38, 1-based): chr10:86,706,587, C>A. VCF-style: chr10-86706587-C-A. GRCh37 (hg19) VCF-style: chr10-88466344-C-A.
Other names: c.897-3318C>A (NM_001368064.1, NM_001368065.1); c.1101-3318C>A (NM_001171610.2); c.812C>A, p.Pro271His (NM_001368066.1); c.756-3318C>A (NM_001080114.2); short protein forms P271H, P318H.
Identifiers: ClinVar variation 1022592 (VCV001022592.9), dbSNP rs1846452720, ClinGen allele CA377446692.